The following is an entry in ClinVar:

NM_000059.4(BRCA2):c.1279G>T (p.Asp427Tyr)

Gene: BRCA2 (BRCA2 DNA repair associated; plus strand). Cytogenetic location: 13q13.1.
Variant type: single nucleotide variant.
Coding change: c.1279G>T on transcript NM_000059.4 (MANE Select); coding-DNA position 1279, G replaced by T.
Protein change: p.Asp427Tyr; replaces aspartic acid 427 with tyrosine.
Molecular consequence: missense variant.
Genome position (GRCh38, 1-based): chr13:32,332,757, G>T. VCF-style: chr13-32332757-G-T. GRCh37 (hg19) VCF-style: chr13-32906894-G-T.
Other names: c.1279G>T, p.Asp427Tyr (NM_001406719.1, NM_001406720.1, NM_001406721.1); short protein forms D427Y.
Identifiers: ClinVar variation 1720260 (VCV001720260.7), dbSNP rs147797288, ClinGen allele CA387762424.

ClinVar aggregate classification (germline): Conflicting classifications of pathogenicity. Review status: criteria provided, conflicting classifications (1 of 4 stars). 2 submissions from 2 submitters: Uncertain significance (1); Likely benign (1). Last evaluated 2023-03-23.

Conditions:
Hereditary cancer-predisposing syndrome. Also called: Hereditary neoplastic syndrome; Neoplastic Syndromes, Hereditary; Hereditary Cancer Syndrome; Tumor predisposition. Identifiers: Orphanet 140162, MedGen C0027672, MeSH D009386, MONDO:0015356.
Hereditary breast ovarian cancer syndrome. Also called: BRCA1- and BRCA2-Associated Hereditary Breast and Ovarian Cancer; Hereditary breast and ovarian cancer syndrome (HBOC); Hereditary breast and/or ovarian cancer syndrome; Hereditary breast and ovarian cancer syndrome; Hereditary breast and ovarian cancer; Breast and ovarian cancer. Identifiers: Orphanet 145, MedGen C0677776, MeSH D061325, MONDO:0003582. Disease mechanism: loss of function.

Allele frequency attached by ClinVar (database versions not stated): gnomAD exomes below 0.00001.

Submissions (2):

University of Washington Department of Laboratory Medicine, University of Washington
Classification: Likely benign for Hereditary cancer-predisposing syndrome. Last evaluated: 2023-03-23. Review status: criteria provided, single submitter. Criteria: Dines et al. (Genet Med. 2020). Collection method: curation. Allele origin: germline.
Comment: Missense variant in a coldspot region where missense variants are very unlikely to be pathogenic (PMID:31911673).

BRCA2 exon 10 coldspot. Reclassification based on statistical prior probability.

Labcorp Genetics (formerly Invitae), Labcorp
Classification: Uncertain significance for Hereditary breast ovarian cancer syndrome. Last evaluated: 2022-09-24. Review status: criteria provided, single submitter. Criteria: Invitae Variant Classification Sherloc (09022015). Collection method: clinical testing. Allele origin: germline.
Comment: This sequence change replaces aspartic acid, which is acidic and polar, with tyrosine, which is neutral and polar, at codon 427 of the BRCA2 protein (p.Asp427Tyr). This variant is not present in population databases (gnomAD no frequency). This variant has not been reported in the literature in individuals affected with BRCA2-related conditions. Advanced modeling of protein sequence and biophysical properties (such as structural, functional, and spatial information, amino acid conservation, physicochemical variation, residue mobility, and thermodynamic stability) performed at Invitae indicates that this missense variant is not expected to disrupt BRCA2 protein function. In summary, the available evidence is currently insufficient to determine the role of this variant in disease. Therefore, it has been classified as a Variant of Uncertain Significance.